The following is an entry in ClinVar:

ClinVar aggregate classification (germline): Uncertain significance. Review status: criteria provided, multiple submitters, no conflicts (2 of 4 stars). 7 submissions from 7 submitters: Uncertain significance (7). Last evaluated 2025-10-13.

Conditions:
Cardiovascular phenotype. Identifiers: MedGen CN230736.
Dilated cardiomyopathy 1JJ (CMD1JJ). Identifiers: Orphanet 154, MedGen C3808935, MONDO:0014095, OMIM 615235.
Cardiomyopathy (CMYO). Also called: Cardiomyopathies. Identifiers: Orphanet 167848, MedGen C0878544, MONDO:0004994, HP:0001638. Inheritance: Various modes of inheritance.

Allele frequency attached by ClinVar (database versions not stated): ExAC 0.00003; gnomAD 0.00004 and 0.00006; TOPMed 0.00006; ESP Exome Variant Server 0.00015.
gnomAD v4.1: 77 of 1,613,938 alleles (0.0048%); highest among the groups gnomAD compares: Admixed American, 0.0083%; no homozygotes.

Submissions (7):

Labcorp Genetics (formerly Invitae), Labcorp
Classification: Uncertain significance for Dilated cardiomyopathy 1JJ. Last evaluated: 2025-10-13. Review status: criteria provided, single submitter. Criteria: Invitae Variant Classification Sherloc (09022015). Collection method: clinical testing. Allele origin: germline.
Comment: This sequence change replaces glycine, which is neutral and non-polar, with serine, which is neutral and polar, at codon 1806 of the LAMA4 protein (p.Gly1806Ser). This variant is present in population databases (rs142048329, gnomAD 0.007%). This variant has not been reported in the literature in individuals affected with LAMA4-related conditions. ClinVar contains an entry for this variant (Variation ID: 191678). Invitae Evidence Modeling of protein sequence and biophysical properties (such as structural, functional, and spatial information, amino acid conservation, physicochemical variation, residue mobility, and thermodynamic stability) indicates that this missense variant is expected to disrupt LAMA4 protein function with a positive predictive value of 80%. In summary, the available evidence is currently insufficient to determine the role of this variant in disease. Therefore, it has been classified as a Variant of Uncertain Significance.

GeneDx
Classification: Uncertain significance. Last evaluated: 2025-04-21. Review status: criteria provided, single submitter. Criteria: GeneDx Variant Classification Process June 2021. Collection method: clinical testing. Allele origin: germline. Affected: yes.
Comment: In silico analysis supports that this missense variant has a deleterious effect on protein structure/function; Has not been previously published as pathogenic or benign to our knowledge; This variant is associated with the following publications: (PMID: 23861362)

Ambry Genetics
Classification: Uncertain significance for Cardiovascular phenotype. Last evaluated: 2025-03-22. Review status: criteria provided, single submitter. Criteria: Ambry Variant Classification Scheme 2023. Collection method: clinical testing. Allele origin: germline.
Comment: The p.G1806S variant (also known as c.5416G>A), located in coding exon 38 of the LAMA4 gene, results from a G to A substitution at nucleotide position 5416. The glycine at codon 1806 is replaced by serine, an amino acid with similar properties. This amino acid position is highly conserved in available vertebrate species. In addition, this alteration is predicted to be deleterious by in silico analysis. The evidence for this gene-disease relationship is limited; therefore, the clinical significance of this alteration is unclear.

Department of Pathology and Laboratory Medicine, Sinai Health System
Classification: Uncertain significance for Dilated cardiomyopathy 1JJ. Last evaluated: 2023-02-26. Review status: criteria provided, single submitter. Criteria: ACMG Guidelines, 2015. Collection method: research. Allele origin: germline.

Fulgent Genetics
Classification: Uncertain significance for Dilated cardiomyopathy 1JJ. Last evaluated: 2021-09-15. Review status: criteria provided, single submitter. Criteria: ACMG Guidelines, 2015. Collection method: clinical testing. Allele origin: unknown.

CHEO Genetics Diagnostic Laboratory, Children's Hospital of Eastern Ontario
Classification: Uncertain significance for Cardiomyopathy. Last evaluated: 2017-02-23. Review status: criteria provided, single submitter. Criteria: ACMG Guidelines, 2015. Collection method: clinical testing. Allele origin: germline. Study: Canadian Open Genetics Repository.

Biesecker Lab/Clinical Genomics Section, National Institutes of Health
Classification: Uncertain significance. Last evaluated: 2013-06-24. Review status: criteria provided, single submitter. Criteria: Ng et al. (Circ Cardiovasc Genet. 2013). Collection method: research. Allele origin: unknown. Observed: 1 variant allele. Study: ClinSeq.
Comment: The study set was not selected for affection status in relation to any cancer. Pathogenicity categories were based on literature curation. See Pubmed ID:23861362 for details.

Medical sequencing

NM_001105206.3(LAMA4):c.5437G>A (p.Gly1813Ser)

Gene: LAMA4 (laminin subunit alpha 4; minus strand). Cytogenetic location: 6q21.
Variant type: single nucleotide variant.
Coding change: c.5437G>A on transcript NM_001105206.3 (MANE Select); coding-DNA position 5437, G replaced by A.
Protein change: p.Gly1813Ser; replaces glycine 1813 with serine.
Molecular consequence: missense variant.
Genome position (GRCh38, 1-based): chr6:112,109,472, C>T on the plus strand (G>A on the coding strand, the complement: LAMA4 is on the minus strand). VCF-style: chr6-112109472-C-T. GRCh37 (hg19) VCF-style: chr6-112430675-C-T.
Other names: c.5416G>A, p.Gly1806Ser (NM_001105207.3, NM_002290.5); c.5416G>A (LRG_433t2); short protein forms G1806S, G1813S.
Identifiers: ClinVar variation 191678 (VCV000191678.14), dbSNP rs142048329, ClinGen allele CA237245.